The following is an entry in ClinVar:

ClinVar aggregate classification (germline): Uncertain significance. Review status: criteria provided, multiple submitters, no conflicts (2 of 4 stars). 2 submissions from 2 submitters: Uncertain significance (2). Last evaluated 2024-01-08.

Conditions:
Hereditary cancer-predisposing syndrome. Also called: Hereditary Cancer Syndrome; Hereditary neoplastic syndrome; Neoplastic Syndromes, Hereditary; Tumor predisposition. Identifiers: Orphanet 140162, MedGen C0027672, MeSH D009386, MONDO:0015356.
Cardiovascular phenotype. Identifiers: MedGen CN230736.

Submissions (2):

Ambry Genetics
Classification: Uncertain significance for Cardiovascular phenotype; Hereditary cancer-predisposing syndrome. Last evaluated: 2024-01-08. Review status: criteria provided, single submitter. Criteria: Ambry Variant Classification Scheme 2023. Collection method: clinical testing. Allele origin: germline.
Comment: The p.Q1315K variant (also known as c.3943C>A), located in coding exon 29 of the NF1 gene, results from a C to A substitution at nucleotide position 3943. The glutamine at codon 1315 is replaced by lysine, an amino acid with similar properties. This amino acid position is conserved. In addition, this alteration is predicted to be deleterious by in silico analysis. Since supporting evidence is limited at this time, the clinical significance of this alteration remains unclear.

Sema4
Classification: Uncertain significance for Hereditary cancer-predisposing syndrome. Last evaluated: 2022-03-01. Review status: criteria provided, single submitter. Criteria: Sema4 Curation Guidelines. Collection method: curation. Allele origin: germline.
Comment: The NF1 c.3943C>A (p.Q1315K) variant has not been reported in the literature to our knowledge. It was not observed in the large and broad cohorts of the Genome Aggregation Database (PMID: 32461654). The variant has not been reported in ClinVar. Functional studies have not been performed, and in silico predictions of the variant's effect on protein function are inconclusive. Thus, the clinical significance of this variant is currently uncertain.

NM_001042492.3(NF1):c.3943C>A (p.Gln1315Lys)

Gene: NF1 (neurofibromin 1; plus strand). Cytogenetic location: 17q11.2.
Variant type: single nucleotide variant.
Coding change: c.3943C>A on transcript NM_001042492.3 (MANE Select); coding-DNA position 3943, C replaced by A.
Protein change: p.Gln1315Lys; replaces glutamine 1315 with lysine.
Molecular consequence: missense variant.
Genome position (GRCh38, 1-based): chr17:31,235,990, C>A. VCF-style: chr17-31235990-C-A. GRCh37 (hg19) VCF-style: chr17-29563008-C-A.
Other names: c.3943C>A, p.Gln1315Lys (NM_000267.4); short protein forms Q1315K.
Identifiers: ClinVar variation 1692331 (VCV001692331.2), dbSNP rs2067194846, ClinGen allele CA398993233.